The following is an entry in ClinVar:

ClinVar aggregate classification (germline): Pathogenic (1 of 4 stars; one submission).

Conditions:
Fetal akinesia deformation sequence 1 (FADS1). Also called: Fetal akinesia sequence; Pena-Shokeir syndrome type I. Identifiers: Orphanet 994, MedGen C1276035, MONDO:0100101, OMIM 208150, HP:0001989.
Congenital myasthenic syndrome 10. Also called: Myasthenia, limb-girdle, familial. Identifiers: Orphanet 590, MedGen C1850792, MONDO:0009690, OMIM 254300.

Submission:

Labcorp Genetics (formerly Invitae), Labcorp
Classification: Pathogenic for Congenital myasthenic syndrome 10; Fetal akinesia deformation sequence 1. Last evaluated: 2023-01-14. Review status: criteria provided, single submitter. Criteria: Invitae Variant Classification Sherloc (09022015). Collection method: clinical testing. Allele origin: germline.
Comment: For these reasons, this variant has been classified as Pathogenic. This variant disrupts a region of the DOK7 protein in which other variant(s) (p.Pro486Argfs*15) have been determined to be pathogenic (PMID: 29118959). This suggests that this is a clinically significant region of the protein, and that variants that disrupt it are likely to be disease-causing. This sequence change results in a frameshift in the DOK7 gene (p.Ala458Glyfs*61). While this is not anticipated to result in nonsense mediated decay, it is expected to disrupt the last 47 amino acid(s) of the DOK7 protein and extend the protein by 13 additional amino acid residues. This variant is not present in population databases (gnomAD no frequency). This variant has not been reported in the literature in individuals affected with DOK7-related conditions.

Literature cited by the submitters: PubMed 29118959.

NM_173660.5(DOK7):c.1372dup (p.Ala458fs)

Gene: DOK7 (docking protein 7; plus strand). Cytogenetic location: 4p16.3.
Variant type: Duplication.
Coding change: c.1372dup on transcript NM_173660.5 (MANE Select); coding-DNA position 1372, one base duplicated (G; older notation c.1372dupG).
Protein change: p.Ala458fs; shifts the reading frame from alanine 458.
Molecular consequence: frameshift variant. On other transcripts: 3 prime UTR variant (1).
Genome position (GRCh38, 1-based): chr4:3,493,358, G duplicated; the last of 2 consecutive G bases (chr4:3,493,357-3,493,358); duplicating either gives the same sequence. VCF-style (leftmost placement, unchanged base first): chr4-3493356-A-AG. GRCh37 (hg19) VCF-style: chr4-3495083-A-AG.
Other names: c.*593dup (NM_001164673.2); c.442dup, p.Ala148fs (NM_001256896.2); c.1372dup, p.Ala458fs (NM_001301071.2); c.940dup, p.Ala314fs (NM_001363811.2); short protein forms A314fs, A148fs, A458fs.
Identifiers: ClinVar variation 2943211 (VCV002943211.3), dbSNP rs2475116712, ClinGen allele CA2740091109.